The following is an entry in ClinVar:

ClinVar aggregate classification (germline): Likely benign. Review status: criteria provided, multiple submitters, no conflicts (2 of 4 stars). 2 submissions from 2 submitters: Likely benign (2). Last evaluated 2018-01-12.

Conditions:
Hypogonadotropic hypogonadism 12 with or without anosmia (HH12). Also called: GNRH1-Related GnRH Deficiency; Gonadotropin deficiency familial idiopathic. Identifiers: Orphanet 432, MedGen C1856897, MONDO:0013914, OMIM 614841.

Allele frequency attached by ClinVar (database versions not stated): 1000 Genomes Project 0.01997; gnomAD 0.04159 and 0.04306; gnomAD exomes 0.04480; 1000 Genomes Project 30x 0.02124; TOPMed 0.04249.
gnomAD v4.1: 7,805 of 183,860 alleles (4.2%); highest among the groups gnomAD compares: Non-Finnish European, 6.2%; 210 homozygotes.

Submissions (2):

Illumina Laboratory Services, Illumina
Classification: Likely benign for Hypogonadotropic hypogonadism 12 with or without anosmia. Last evaluated: 2018-01-12. Review status: criteria provided, single submitter. Criteria: ICSL Variant Classification Criteria 13 December 2019. Collection method: clinical testing. Allele origin: germline.
Comment: This variant was observed in the ICSL laboratory as part of a predisposition screen in an ostensibly healthy population. It had not been previously curated by ICSL or reported in the Human Gene Mutation Database (HGMD: prior to June 1st, 2018), and was therefore a candidate for classification through an automated scoring system. Utilizing variant allele frequency, disease prevalence and penetrance estimates, and inheritance mode, an automated score was calculated to assess if this variant is too frequent to cause the disease. Based on the score and internal cut-off values, a variant classified as likely benign is not then subjected to further curation. The score for this variant resulted in a classification of likely benign for this disease.

Breakthrough Genomics
Classification: Likely benign. Review status: criteria provided, single submitter. Criteria: ACMG Guidelines, 2015. Collection method: not provided. Allele origin: germline. Inheritance: Autosomal recessive inheritance. Affected: yes.

NM_001083111.2(GNRH1):c.-2+388T>C

Gene: GNRH1 (gonadotropin releasing hormone 1; minus strand). Cytogenetic location: 8p21.2.
Variant type: single nucleotide variant.
Coding change: c.-2+388T>C on transcript NM_001083111.2 (MANE Select); 388 bases into the intron after 2 bases upstream of the start codon, T replaced by C.
Molecular consequence: intron variant. On other transcripts: 5 prime UTR variant (1).
Genome position (GRCh38, 1-based): chr8:25,423,813, A>G on the plus strand (T>C on the coding strand, the complement: GNRH1 is on the minus strand). VCF-style: chr8-25423813-A-G. GRCh37 (hg19) VCF-style: chr8-25281329-A-G.
Other names: c.-471T>C (NM_000825.3).
Identifiers: ClinVar variation 362657 (VCV000362657.6), dbSNP rs17790824, ClinGen allele CA10627545.